The following is an entry in ClinVar:

ClinVar aggregate classification (germline): Conflicting classifications of pathogenicity. Review status: criteria provided, conflicting classifications (1 of 4 stars). 3 submissions from 3 submitters: Uncertain significance (2); Likely benign (1). Last evaluated 2025-05-22.

Conditions:
Hereditary cancer-predisposing syndrome. Also called: Hereditary Cancer Syndrome; Hereditary neoplastic syndrome; Tumor predisposition; Neoplastic Syndromes, Hereditary. Identifiers: Orphanet 140162, MedGen C0027672, MeSH D009386, MONDO:0015356.

Allele frequency attached by ClinVar (database versions not stated): ExAC 0.00001; gnomAD exomes 0.00001.
gnomAD v4.1: 3 of 1,613,788 alleles (0.00019%); highest among the groups gnomAD compares: Non-Finnish European, 0.00017%; no homozygotes.

Submissions (3):

Ambry Genetics
Classification: Likely benign for Hereditary cancer-predisposing syndrome. Last evaluated: 2025-05-22. Review status: criteria provided, single submitter. Criteria: Ambry Variant Classification Scheme 2023. Collection method: clinical testing. Allele origin: germline.

Labcorp Genetics (formerly Invitae), Labcorp
Classification: Uncertain significance. Last evaluated: 2024-06-10. Review status: criteria provided, single submitter. Criteria: Invitae Variant Classification Sherloc (09022015). Collection method: clinical testing. Allele origin: germline.
Comment: This sequence change replaces proline, which is neutral and non-polar, with threonine, which is neutral and polar, at codon 70 of the HOXB13 protein (p.Pro70Thr). This variant is present in population databases (rs370934116, gnomAD 0.003%). This variant has not been reported in the literature in individuals affected with HOXB13-related conditions. ClinVar contains an entry for this variant (Variation ID: 1397171). Advanced modeling of protein sequence and biophysical properties (such as structural, functional, and spatial information, amino acid conservation, physicochemical variation, residue mobility, and thermodynamic stability) performed at Invitae indicates that this missense variant is not expected to disrupt HOXB13 protein function with a negative predictive value of 80%. In summary, the available evidence is currently insufficient to determine the role of this variant in disease. Therefore, it has been classified as a Variant of Uncertain Significance.

GeneDx
Classification: Uncertain significance. Last evaluated: 2022-10-07. Review status: criteria provided, single submitter. Criteria: GeneDx Variant Classification Process June 2021. Collection method: clinical testing. Allele origin: germline. Affected: yes.
Comment: Not observed at significant frequency in large population cohorts (gnomAD); In silico analysis supports that this missense variant does not alter protein structure/function; Has not been previously published as pathogenic or benign to our knowledge

NM_006361.6(HOXB13):c.208C>A (p.Pro70Thr)

Gene: HOXB13 (homeobox B13; minus strand). Cytogenetic location: 17q21.32.
Variant type: single nucleotide variant.
Coding change: c.208C>A on transcript NM_006361.6 (MANE Select); coding-DNA position 208, C replaced by A.
Protein change: p.Pro70Thr; replaces proline 70 with threonine.
Molecular consequence: missense variant.
Genome position (GRCh38, 1-based): chr17:48,728,386, G>T on the plus strand (C>A on the coding strand, the complement: HOXB13 is on the minus strand). VCF-style: chr17-48728386-G-T. GRCh37 (hg19) VCF-style: chr17-46805748-G-T.
Other names: c.208C>A (NM_006361.5); short protein forms P70T.
Identifiers: ClinVar variation 1397171 (VCV001397171.8), dbSNP rs370934116, ClinGen allele CA8634044.
Genomic context (GRCh38, chr17:48,728,386, plus strand): 5'-AGGAGTAGTACCCGCCTCCAAAGTAACCATAAGGCACGGGAGCTGGGGACGTCCCCTGGG[G>T]CACCCCAGGGCATGGGTGGCATTGCTTTGGCGGCTCCGCCGAGCCTGGCAGATCCAAGGG-3'
Protein context (NP_006352.2, residues 60-80): PKQCHPCPGV[Pro70Thr]QGTSPAPVPY